The following is an entry in ClinVar:

NM_018979.4(WNK1):c.4742TTC[1] (p.Leu1582del)

Gene: WNK1 (WNK lysine deficient protein kinase 1; plus strand). Cytogenetic location: 12p13.33.
Variant type: Microsatellite.
Coding change: c.4742TTC[1] on transcript NM_018979.4 (MANE Select); one copy of the 3-base unit TTC starting at c.4742; the reference has two copies in a row; one copy, 3 bases deleted.
Protein change: p.Leu1582del; deletes leucine 1582.
Molecular consequence: inframe deletion.
Genome position (GRCh38, 1-based): chr12:885,549-885,551, TTC deleted; deleting any 3 consecutive bases within chr12:885,546-885,551 gives the same sequence; the position shown is the placement nearest the transcript's 3' end. VCF-style (leftmost placement, unchanged base first): chr12-885545-ATTC-A. GRCh37 (hg19) VCF-style: chr12-994711-ATTC-A.
Other names: c.5501_5503del (NM_213655.4); c.5522TTC[1], p.Leu1842del (NM_001184985.2); c.4001TTC[1], p.Leu1335del (NM_014823.3); c.5498TTC[1], p.Leu1834del (NM_213655.5); short protein forms L1335del, L1582del, L1834del, L1842del.
Identifiers: ClinVar variation 852088 (VCV000852088.9), dbSNP rs1953573536, ClinGen allele CA916083284.
Genomic context (GRCh38, chr12:885,545, plus strand): 5'-ATTTCTCAGCCTGGTGGGCTGCATCCTTTGGTCATTCCATCAGTGATAGCTTCTACTCCT[ATTC>A]TTCCCCAAGCAGCAGGACCTACTTCTACACCTTTATTACCCCAAGTACCTAGTATCCCAC-3'

ClinVar aggregate classification (germline): Uncertain significance (1 of 4 stars; one submission).

Conditions:
Pseudohypoaldosteronism type 2C (PHA2C). Also called: Pseudohypoaldosteronism Type IIC. Identifiers: Orphanet 757, Orphanet 88940, MedGen C1840391, MONDO:0013778, OMIM 614492.
Neuropathy, hereditary sensory and autonomic, type 2A (HSAN2A). Also called: ACROOSTEOLYSIS, GIACCAI TYPE; ACROOSTEOLYSIS, NEUROGENIC; MORVAN DISEASE; NEUROPATHY, CONGENITAL SENSORY; NEUROPATHY, HEREDITARY SENSORY RADICULAR, AUTOSOMAL RECESSIVE; NEUROPATHY, HEREDITARY SENSORY, TYPE IIA. Identifiers: Orphanet 970, MedGen C2752089, MONDO:0024309, OMIM 201300.

Submission:

Labcorp Genetics (formerly Invitae), Labcorp
Classification: Uncertain significance for Neuropathy, hereditary sensory and autonomic, type 2A; Pseudohypoaldosteronism type 2C. Last evaluated: 2022-08-16. Review status: criteria provided, single submitter. Criteria: Invitae Variant Classification Sherloc (09022015). Collection method: clinical testing. Allele origin: germline.
Comment: Experimental studies and prediction algorithms are not available or were not evaluated, and the functional significance of this variant is currently unknown. In summary, the available evidence is currently insufficient to determine the role of this variant in disease. Therefore, it has been classified as a Variant of Uncertain Significance. ClinVar contains an entry for this variant (Variation ID: 852088). This variant has not been reported in the literature in individuals affected with WNK1-related conditions. This variant is not present in population databases (gnomAD no frequency). This variant, c.5501_5503del, results in the deletion of 1 amino acid(s) of the WNK1 protein (p.Leu1834del), but otherwise preserves the integrity of the reading frame.